The following is an entry in ClinVar:

ClinVar aggregate classification (germline): Uncertain significance (1 of 4 stars; one submission).

Allele frequency attached by ClinVar (database versions not stated): gnomAD exomes below 0.00001 and 0.00001; TOPMed below 0.00001; ExAC 0.00001.
gnomAD v4.1: 13 of 1,614,174 alleles (0.00081%); highest among the groups gnomAD compares: East Asian, 0.0022%; no homozygotes.

Submission:

Labcorp Genetics (formerly Invitae), Labcorp
Classification: Uncertain significance. Last evaluated: 2025-01-23. Review status: criteria provided, single submitter. Criteria: Invitae Variant Classification Sherloc (09022015). Collection method: clinical testing. Allele origin: germline.
Comment: This sequence change replaces threonine, which is neutral and polar, with methionine, which is neutral and non-polar, at codon 312 of the OTULIN protein (p.Thr312Met). This variant is present in population databases (rs763486377, gnomAD 0.0009%). This variant has not been reported in the literature in individuals affected with OTULIN-related conditions. ClinVar contains an entry for this variant (Variation ID: 1392897). Invitae Evidence Modeling of protein sequence and biophysical properties (such as structural, functional, and spatial information, amino acid conservation, physicochemical variation, residue mobility, and thermodynamic stability) indicates that this missense variant is not expected to disrupt OTULIN protein function with a negative predictive value of 80%. In summary, the available evidence is currently insufficient to determine the role of this variant in disease. Therefore, it has been classified as a Variant of Uncertain Significance.

NM_138348.6(OTULIN):c.935C>T (p.Thr312Met)

Gene: OTULIN (OTU deubiquitinase with linear linkage specificity; plus strand). Cytogenetic location: 5p15.2.
Variant type: single nucleotide variant.
Coding change: c.935C>T on transcript NM_138348.6 (MANE Select); coding-DNA position 935, C replaced by T.
Protein change: p.Thr312Met; replaces threonine 312 with methionine.
Molecular consequence: missense variant.
Genome position (GRCh38, 1-based): chr5:14,692,924, C>T. VCF-style: chr5-14692924-C-T. GRCh37 (hg19) VCF-style: chr5-14693033-C-T.
Other names: short protein forms T312M.
Identifiers: ClinVar variation 1392897 (VCV001392897.6), dbSNP rs763486377, ClinGen allele CA3208711.